The following is an entry in ClinVar:

NM_015488.5(PNKD):c.887A>G (p.Glu296Gly)

Genes: CATIP-AS2 (CATIP antisense RNA 2; minus strand), PNKD (PNKD metallo-beta-lactamase domain containing; plus strand). Cytogenetic location: 2q35.
Variant type: single nucleotide variant.
Coding change: c.887A>G on transcript NM_015488.5 (MANE Select); coding-DNA position 887, A replaced by G.
Protein change: p.Glu296Gly; replaces glutamic acid 296 with glycine.
Molecular consequence: missense variant.
Genome position (GRCh38, 1-based): chr2:218,344,473, A>G. VCF-style: chr2-218344473-A-G. GRCh37 (hg19) VCF-style: chr2-219209196-A-G.
Other names: c.815A>G, p.Glu272Gly (NM_022572.5); short protein forms E296G, E272G.
Identifiers: ClinVar variation 468636 (VCV000468636.25), dbSNP rs202211738, ClinGen allele CA2104145.

ClinVar aggregate classification (germline): Conflicting classifications of pathogenicity. Review status: criteria provided, conflicting classifications (1 of 4 stars). 4 submissions from 4 submitters: Uncertain significance (1); Benign (2); Likely benign (1). Last evaluated 2026-01-28.

Conditions:
Paroxysmal nonkinesigenic dyskinesia. Also called: Paroxysmal non-kinesigenic dyskinesia. Identifiers: Orphanet 98810, MedGen C1869117, MONDO:0700088.
Inborn genetic diseases. Identifiers: MedGen C0950123, MeSH D030342.

Allele frequency attached by ClinVar (database versions not stated): gnomAD 0.00002 and 0.00027; TOPMed 0.00006; gnomAD exomes 0.00053 and 0.00106; 1000 Genomes Project 0.00200; 1000 Genomes Project 30x 0.00234; ExAC 0.00274.

Submissions (4):

Labcorp Genetics (formerly Invitae), Labcorp
Classification: Benign for Paroxysmal nonkinesigenic dyskinesia. Last evaluated: 2026-01-28. Review status: criteria provided, single submitter. Criteria: Invitae Variant Classification Sherloc (09022015). Collection method: clinical testing. Allele origin: germline.

CeGaT Center for Human Genetics Tuebingen
Classification: Likely benign. Last evaluated: 2025-06-01. Review status: criteria provided, single submitter. Criteria: CeGaT Center For Human Genetics Tuebingen Variant Classification Criteria Version 2. Collection method: clinical testing. Allele origin: germline. Affected: yes. Observed: 1 variant allele.
Comment: PNKD: BS1

Ambry Genetics
Classification: Uncertain significance for Inborn genetic diseases. Last evaluated: 2024-08-20. Review status: criteria provided, single submitter. Criteria: Ambry Variant Classification Scheme 2023. Collection method: clinical testing. Allele origin: germline.

GeneDx
Classification: Benign. Last evaluated: 2021-05-06. Review status: criteria provided, single submitter. Criteria: GeneDx Variant Classification Process June 2021. Collection method: clinical testing. Allele origin: germline. Affected: yes.